The following is an entry in ClinVar:

NM_000044.6(AR):c.2158G>A (p.Ala720Thr)

Gene: AR (androgen receptor; plus strand). Cytogenetic location: Xq12.
Variant type: single nucleotide variant.
Coding change: c.2158G>A on transcript NM_000044.6 (MANE Select); coding-DNA position 2158, G replaced by A.
Protein change: p.Ala720Thr; replaces alanine 720 with threonine.
Molecular consequence: missense variant.
Genome position (GRCh38, 1-based): chrX:67,711,674, G>A. VCF-style: chrX-67711674-G-A. GRCh37 (hg19) VCF-style: chrX-66931516-G-A.
Other names: c.562G>A, p.Ala188Thr (NM_001011645.3); short protein forms A188T, A720T.
Identifiers: ClinVar variation 4992008 (VCV004992008.1).

ClinVar aggregate classification (germline): Uncertain significance (1 of 4 stars; one submission).

Conditions:
AR-related disorder. Also called: AR-related condition.

Submission:

PreventionGenetics, part of Exact Sciences
Classification: Uncertain significance for AR-related condition. Last evaluated: 2025-10-17. Review status: criteria provided, single submitter. Criteria: ACMG Guidelines, 2015. Collection method: clinical testing. Allele origin: germline.
Comment: The AR c.2158G>A variant is predicted to result in the amino acid substitution p.Ala720Thr. This variant has been reported in an individual with 46,XY disorder of sex development (Dong et al. 2016. PubMed ID: 26980296). This variant has not been reported in a large population database (gnomAD), indicating this variant is rare. Although we suspect that this variant may be pathogenic, at this time, the clinical significance of this variant is uncertain due to the absence of conclusive functional and genetic evidence.